The following is an entry in ClinVar:

NM_016604.4(KDM3B):c.4776G>A (p.Glu1592=)

Gene: KDM3B (lysine demethylase 3B; plus strand). Cytogenetic location: 5q31.2.
Variant type: single nucleotide variant.
Coding change: c.4776G>A on transcript NM_016604.4 (MANE Select); coding-DNA position 4776, G replaced by A.
Protein change: p.Glu1592=; no amino-acid change (glutamic acid 1592 retained).
Molecular consequence: synonymous variant.
Genome position (GRCh38, 1-based): chr5:138,429,848, G>A. VCF-style: chr5-138429848-G-A. GRCh37 (hg19) VCF-style: chr5-137765537-G-A.
Identifiers: ClinVar variation 713346 (VCV000713346.9), dbSNP rs61750312, ClinGen allele CA3429525.

ClinVar aggregate classification (germline): Benign/Likely benign. Review status: criteria provided, multiple submitters, no conflicts (2 of 4 stars). 4 submissions from 4 submitters: Benign (1); Likely benign (2). 1 of the submissions does not count toward it. Last evaluated 2026-04-01.

Conditions:
KDM3B-related disorder. Also called: KDM3B-related condition.

Allele frequency attached by ClinVar (database versions not stated): 1000 Genomes Project 0.00060; 1000 Genomes Project 30x 0.00062; gnomAD 0.00130 and 0.00137; TOPMed 0.00130; ExAC 0.00153; gnomAD exomes 0.00158; ESP Exome Variant Server 0.00200.
gnomAD v4.1: 2,723 of 1,614,048 alleles (0.17%); highest among the groups gnomAD compares: Non-Finnish European, 0.19%; 2 homozygotes.

Submissions (4):

CeGaT Center for Human Genetics Tuebingen
Classification: Likely benign. Last evaluated: 2026-04-01. Review status: criteria provided, single submitter. Criteria: CeGaT Center For Human Genetics Tuebingen Variant Classification Criteria Version 2. Collection method: clinical testing. Allele origin: germline. Affected: yes. Observed: 1 variant allele.
Comment: KDM3B: BP4, BS1

Blueprint Genetics
Classification: Likely benign. Last evaluated: 2024-11-25. Review status: criteria provided, single submitter. Criteria: ACMG Guidelines, 2015. Collection method: clinical testing. Allele origin: germline.

Labcorp Genetics (formerly Invitae), Labcorp
Classification: Benign. Last evaluated: 2019-12-31. Review status: criteria provided, single submitter. Criteria: Invitae Variant Classification Sherloc (09022015). Collection method: clinical testing. Allele origin: germline.

PreventionGenetics, part of Exact Sciences
Classification: Benign for KDM3B-related condition. Last evaluated: 2020-01-07. Review status: no assertion criteria provided. Collection method: clinical testing. Allele origin: germline. Not counted in ClinVar's aggregate classification.
Comment: This variant is classified as benign based on ACMG/AMP sequence variant interpretation guidelines (Richards et al. 2015 PMID: 25741868, with internal and published modifications).